The following is an entry in ClinVar:

ClinVar aggregate classification (germline): Pathogenic (1 of 4 stars; one submission).

Submission:

Quest Diagnostics Nichols Institute San Juan Capistrano
Classification: Pathogenic. Last evaluated: 2023-02-14. Review status: criteria provided, single submitter. Criteria: ACMG/ClinGen CNV Guidelines, 2019. Collection method: clinical testing. Allele origin: unknown.
Comment: This copy number gain of 16p11.2 involves several genes including TBX6 (OMIM 602427) and is associated with the proximal (BP4-BP5) 16p11.2 microduplication syndrome (OMIM 614671, Redaelli et al., Int J Mol Sci. 2019 Mar 4;20(5). Pii: E1095. PMID: 30836598). Inheritance from a normal or mildly affected parent has been reported, suggesting incomplete penetrance and variable expressivity. Therefore, this copy number variant is classified as pathogenic with incomplete penetrance and variable expressivity. See GeneReviews for additional information and references

GRCh37/hg19 16p11.2(chr16:29654589-30177240)x3

Genes: ALDOA (aldolase, fructose-bisphosphate A; plus strand), ASPHD1 (aspartate beta-hydroxylase domain containing 1; plus strand), C16orf54 (chromosome 16 open reading frame 54; minus strand), C16orf92 (chromosome 16 open reading frame 92; plus strand), CDIPT (CDP-diacylglycerol--inositol 3-phosphatidyltransferase; minus strand) and 21 more. Cytogenetic location: 16p11.2.
Variant type: copy number gain.
Change: copy number 3 (three copies instead of two) of chr16:29,654,589-30,177,240 (522.7 kb, GRCh37 coordinates, 1-based), cytogenetic band 16p11.2.
Identifiers: ClinVar variation 2684804 (VCV002684804.1).